The following is an entry in ClinVar:

NM_001135651.3(EIF2AK2):c.1382C>G (p.Ser461Cys)

Gene: EIF2AK2 (eukaryotic translation initiation factor 2 alpha kinase 2; minus strand). Cytogenetic location: 2p22.2.
Variant type: single nucleotide variant.
Coding change: c.1382C>G on transcript NM_001135651.3 (MANE Select); coding-DNA position 1382, C replaced by G.
Protein change: p.Ser461Cys; replaces serine 461 with cysteine.
Molecular consequence: missense variant.
Genome position (GRCh38, 1-based): chr2:37,109,291, G>C on the plus strand (C>G on the coding strand, the complement: EIF2AK2 is on the minus strand). VCF-style: chr2-37109291-G-C. GRCh37 (hg19) VCF-style: chr2-37336434-G-C.
Other names: c.1259C>G, p.Ser420Cys (NM_001135652.3); c.1382C>G, p.Ser461Cys (NM_002759.4); short protein forms S420C, S461C.
Identifiers: ClinVar variation 818200 (VCV000818200.9), dbSNP rs1572996700, ClinGen allele CA346297078.

ClinVar aggregate classification (germline): Conflicting classifications of pathogenicity. Review status: criteria provided, conflicting classifications (1 of 4 stars). 4 submissions from 4 submitters: Likely pathogenic (1); Uncertain significance (2). 1 of the submissions does not count toward it. Last evaluated 2021-06-08.

Conditions:
Developmental regression. Also called: C1836830. Identifiers: MedGen C1836830, HP:0002376.
Global developmental delay (DD). Also called: Cognitive delay. Identifiers: MedGen C0557874, HP:0001263. Disease mechanism: loss of function.
Leukoencephalopathy. Identifiers: MedGen C0270612, HP:0002352.
Leukoencephalopathy, developmental delay, and episodic neurologic regression syndrome. Also called: LEUDEN SYNDROME. Identifiers: MedGen C5394367, MONDO:0030035, OMIM 618877.

Submissions (4):

Illumina Laboratory Services, Illumina
Classification: Likely pathogenic for Leukoencephalopathy, developmental delay, and episodic neurologic regression syndrome. Last evaluated: 2021-06-08. Review status: criteria provided, single submitter. Criteria: ICSLVariantClassificationCriteria RUGD 01 April 2020. Collection method: clinical testing. Allele origin: unknown.
Comment: The EIF2AK2 c.1382C>G (p.Ser461Cys) variant is a missense variant that is located in the protein-kinase domain of the EIF2AK2 protein (Mao et al. 2020). The p.Ser461Cys variant has been reported in a de novo state in one individual with leukoencephalopathy, developmental delay, and episodic neurologic regression syndrome (Mao et al. 2020). The p.Ser461Cys variant is not found in version 2.1.1 or version 3.1.1 of the Genome Aggregation Database in a region of good sequence coverage, which suggests the variant is rare. Functional studies in patient fibroblasts for the p.Ser461Cys variant demonstrated impaired kinase activity with consistent reduction in p-EIF2S1 levels and decrease in ATF4 levels, a downstream target of p-EIF2S1 (Mao et al. 2020). Based on the collective evidence and identification of this variant in a de novo state, the p.Ser461Cys variant is classified as likely pathogenic for leukoencephalopathy, developmental delay, and episodic neurologic regression syndrome.

SIB Swiss Institute of Bioinformatics
Classification: Uncertain significance for Leukoencephalopathy, developmental delay, and episodic neurologic regression syndrome. Last evaluated: 2020-12-18. Review status: criteria provided, single submitter. Criteria: ACMG Guidelines, 2015. Collection method: curation. Allele origin: unknown.
Comment: This variant is interpreted as a variant of uncertain significance for Leukoencephalopathy, developmental delay, and episodic neurologic regression syndrome, autosomal dominant The following ACMG Tag(s) were applied: Absent from controls (or at extremely low frequency if recessive) in Exome Sequencing Project, 1000 Genomes Project, or Exome Aggregation Consortium (PM2); de novo variant (PS2 downgraded to moderate); Well-established functional studies show a deleterious effect (PS3 downgraded to supporting).

Broad Center for Mendelian Genomics, Broad Institute of MIT and Harvard
Classification: Uncertain significance for Leukoencephalopathy; Global developmental delay; Developmental regression. Last evaluated: 2020-03-09. Review status: criteria provided, single submitter. Criteria: ACMG Guidelines, 2015. Collection method: research. Allele origin: germline. Inheritance: Autosomal dominant inheritance. Affected: yes. Observed: 1 heterozygote.
Comment: Trio exome analysis showed this variant to be de novo with confirmed paternity and maternity. The c.1382C>G (p.Ser461Cys) variant in EIF2AK2 has not been previously reported in individuals with developmental regression, leukoencephalopathy, and global developmental delay and this variant was absent from large population studies. The EIF2AK2 gene has no established gene-disease association. However, this gene has a role in the EIF2B pathway, which has been associated with vanishing white matter leukoencephalopathies. Unpublished cohort data has identified other unrelated patients with similar neurologic phenotypes and suggest that de novo missense variants are implicated in disease. Functional studies demonstrate this variant impairs kinase activity of EIF2AK2 (publication pending). It is of note that computational prediction tools, including splice predictors, suggest that this variant may not impact the protein. Additionally, the serine (Ser) at position 461 is not highly conserved in mammals and evolutionary distant species, and 2 mammals (dolphins and killer whales) carry a cystine (Cys), raising the possibility that this change at this position may be tolerated. In summary, the clinical significance of the Ser461Cys variant is uncertain.

OMIM
Classification: Pathogenic for LEUKOENCEPHALOPATHY, DEVELOPMENTAL DELAY, AND EPISODIC NEUROLOGIC REGRESSION SYNDROME. Last evaluated: 2022-02-10. Review status: no assertion criteria provided. Collection method: literature only. Allele origin: germline. Not counted in ClinVar's aggregate classification.

Literature cited by the submitters: PubMed 32197074 (cited by Illumina Laboratory Services, Illumina and SIB Swiss Institute of Bioinformatics); Mao, D., Reuter, C. M., Ruzhnikov, M. R. Z., Beck, A. E., Farrow, E. G., Emrick, L. T., Rosenfeld, J. A., Mackenzie, K. M., Robak, L., Wheeler, M. T., Burrage, L. C., Jain, M., and 20 others De novo EIF2AK1 and EIF2AK2 variants are associated with developmental delay, leukoencephalopathy, and neurologic decompensation. Am. J. Hum. Genet. 106: 570-583, 2020. (cited by OMIM).